The following is an entry in ClinVar:

NM_000834.5(GRIN2B):c.3135_3149del (p.Lys1045_Ser1050delinsAsn)

Gene: GRIN2B (glutamate ionotropic receptor NMDA type subunit 2B; minus strand). Cytogenetic location: 12p13.1.
Variant type: Deletion.
Coding change: c.3135_3149del on transcript NM_000834.5 (MANE Select); coding-DNA positions 3135 to 3149, 15 bases deleted (GAGCGACCGCTACAG).
Protein change: p.Lys1045_Ser1050delinsAsn.
Molecular consequence: inframe indel.
Genome position (GRCh38, 1-based): chr12:13,564,089-13,564,103, CTGTAGCGGTCGCTC deleted on the plus strand (GAGCGACCGCTACAG on the coding strand, the reverse complement: GRIN2B is on the minus strand). VCF-style (leftmost placement, unchanged base first): chr12-13564088-ACTGTAGCGGTCGCTC-A. GRCh37 (hg19) VCF-style: chr12-13717022-ACTGTAGCGGTCGCTC-A.
Identifiers: ClinVar variation 1304147 (VCV001304147.2), dbSNP rs2136405352, ClinGen allele CA2573053635.
Genomic context (GRCh38, chr12:13,564,088, plus strand): 5'-ATAGGTGACGGTGTGGGTTGAGATGTCAGAGACATCGGAGCGGATCAAGTCGTCGTGGCC[ACTGTAGCGGTCGCTC>A]TTGAAGGAGAATTTGCCGTACAGGTCACTGAGCTGGCTGTGCTTGGAGGAGGGGAGGCCG-3'

ClinVar aggregate classification (germline): Uncertain significance (1 of 4 stars; one submission).

Submission:

GeneDx
Classification: Uncertain significance. Last evaluated: 2019-09-05. Review status: criteria provided, single submitter. Criteria: GeneDx Variant Classification Process June 2021. Collection method: clinical testing. Allele origin: germline. Affected: yes.
Comment: In-frame deletion of 6 amino acids and insertion of 1 incorrect amino acid in a non-repeat region; In silico analysis, which includes protein predictors and evolutionary conservation, supports a deleterious effect; Has not been previously published as pathogenic or benign to our knowledge